The following is an entry in ClinVar:

ClinVar aggregate classification (germline): Pathogenic (1 of 4 stars; one submission).

Conditions:
Hereditary cancer-predisposing syndrome. Also called: Neoplastic Syndromes, Hereditary; Tumor predisposition; Hereditary neoplastic syndrome; Hereditary Cancer Syndrome. Identifiers: Orphanet 140162, MedGen C0027672, MeSH D009386, MONDO:0015356.

Submission:

Ambry Genetics
Classification: Pathogenic for Hereditary cancer-predisposing syndrome. Last evaluated: 2026-06-29. Review status: criteria provided, single submitter. Criteria: Ambry Variant Classification Scheme 2023. Collection method: clinical testing. Allele origin: germline.
Comment: The c.2521dupA pathogenic mutation, located in coding exon 6 of the PALB2 gene, results from a duplication of A at nucleotide position 2521, causing a translational frameshift with a predicted alternate stop codon (p.T841Nfs*8). This variant is considered to be rare based on population cohorts in the Genome Aggregation Database (gnomAD). This alteration is expected to result in loss of function by premature protein truncation or nonsense-mediated mRNA decay. As such, this alteration is interpreted as a disease-causing mutation.

NM_024675.4(PALB2):c.2521dup (p.Thr841fs)

Gene: PALB2 (partner and localizer of BRCA2; minus strand). Cytogenetic location: 16p12.2.
Variant type: Duplication.
Coding change: c.2521dup on transcript NM_024675.4 (MANE Select); coding-DNA position 2521, one base duplicated (A; older notation c.2521dupA).
Protein change: p.Thr841fs; shifts the reading frame from threonine 841.
Molecular consequence: frameshift variant. On other transcripts: intron variant (1).
Genome position (GRCh38, 1-based): chr16:23,629,269, T duplicated on the plus strand (A on the coding strand, the reverse complement: PALB2 is on the minus strand); the first of 3 consecutive T bases (chr16:23,629,269-23,629,271); duplicating any one gives the same sequence. VCF-style (leftmost placement, unchanged base first): chr16-23629268-G-GT. GRCh37 (hg19) VCF-style: chr16-23640589-G-GT.
Other names: c.2461dup, p.Thr821fs (NM_001407296.1); c.2521dup, p.Thr841fs (NM_001407298.1, NM_001407299.1, NM_001407300.1 and 2 more transcripts); c.1636dup, p.Thr546fs (NM_001407304.1, NM_001407305.1, NM_001407306.1 and 5 more transcripts); c.733dup, p.Thr245fs (NM_001407312.1, NM_001407313.1); c.55dup, p.Thr19fs (NM_001407314.1); c.2514+371dup (NM_001407297.1); c.2521dupA (NM_024675.3); short protein forms T245fs, T821fs, T841fs, T19fs, T546fs.
Identifiers: ClinVar variation 5026141 (VCV005026141.1).
Genomic context (GRCh38, chr16:23,629,268, plus strand): 5'-AACTCTGAAACCAATTGTAGGTTGCCTGGGTTTATGCTATCAGAAGCAGGAAGCTCTGCT[G>GT]TTTCAGTCTGTGAAAACAAAAGTCACATCATTAGTCTACACTTTATGTATAATGTCTGCC-3'